The following is an entry in ClinVar:

NM_001083926.2(ASRGL1):c.439C>T (p.Arg147Cys)

Gene: ASRGL1 (asparaginase and isoaspartyl peptidase 1; plus strand). Cytogenetic location: 11q12.3.
Variant type: single nucleotide variant.
Coding change: c.439C>T on transcript NM_001083926.2 (MANE Select); coding-DNA position 439, C replaced by T.
Protein change: p.Arg147Cys; replaces arginine 147 with cysteine.
Molecular consequence: missense variant.
Genome position (GRCh38, 1-based): chr11:62,357,092, C>T. VCF-style: chr11-62357092-C-T. GRCh37 (hg19) VCF-style: chr11-62124564-C-T.
Other names: c.439C>T, p.Arg147Cys (NM_025080.4); short protein forms R147C.
Identifiers: ClinVar variation 2288145 (VCV002288145.3), dbSNP rs1352257014, ClinGen allele CA380866104.
Genomic context (GRCh38, chr11:62,357,092, plus strand): 5'-GCAGCTATGGGGGTTCCAGAGATTCCTGGAGAAAAACTGGTGACAGAGAGAAACAAAAAG[C>T]GCCTGGAAAAAGAGAAGCATGAAAAAGGTGCTCAGAAAACAGATTGTCAAAAGTAAGTCT-3'
Protein context (NP_001077395.1, residues 137-157): EKLVTERNKK[Arg147Cys]LEKEKHEKGA

ClinVar aggregate classification (germline): Uncertain significance. Review status: criteria provided, multiple submitters, no conflicts (2 of 4 stars). 2 submissions from 2 submitters: Uncertain significance (2). Last evaluated 2025-08-10.

Allele frequency attached by ClinVar (database versions not stated): gnomAD exomes below 0.00001; gnomAD 0.00001; TOPMed 0.00002.
gnomAD v4.1: 7 of 1,613,782 alleles (0.00043%); highest among the groups gnomAD compares: African/African-American, 0.0027%; no homozygotes.

Submissions (2):

Labcorp Genetics (formerly Invitae), Labcorp
Classification: Uncertain significance. Last evaluated: 2025-08-10. Review status: criteria provided, single submitter. Criteria: Invitae Variant Classification Sherloc (09022015). Collection method: clinical testing. Allele origin: germline.
Comment: This sequence change replaces arginine, which is basic and polar, with cysteine, which is neutral and slightly polar, at codon 147 of the ASRGL1 protein (p.Arg147Cys). This variant is not present in population databases (gnomAD no frequency). This variant has not been reported in the literature in individuals affected with ASRGL1-related conditions. ClinVar contains an entry for this variant (Variation ID: 2288145). An algorithm developed to predict the effect of missense changes on protein structure and function (PolyPhen-2) suggests that this variant is likely to be disruptive. In summary, the available evidence is currently insufficient to determine the role of this variant in disease. Therefore, it has been classified as a Variant of Uncertain Significance.

Ambry Genetics
Classification: Uncertain significance. Last evaluated: 2022-05-09. Review status: criteria provided, single submitter. Criteria: Ambry Variant Classification Scheme 2023. Collection method: clinical testing. Allele origin: germline.